The following is an entry in ClinVar:

NM_015512.5(DNAH1):c.9952G>A (p.Glu3318Lys)

Gene: DNAH1 (dynein axonemal heavy chain 1; plus strand). Cytogenetic location: 3p21.1.
Variant type: single nucleotide variant.
Coding change: c.9952G>A on transcript NM_015512.5 (MANE Select); coding-DNA position 9952, G replaced by A.
Protein change: p.Glu3318Lys; replaces glutamic acid 3318 with lysine.
Molecular consequence: missense variant.
Genome position (GRCh38, 1-based): chr3:52,391,503, G>A. VCF-style: chr3-52391503-G-A. GRCh37 (hg19) VCF-style: chr3-52425519-G-A.
Other names: c.9952G>A (NM_015512.4); short protein forms E3318K.
Identifiers: ClinVar variation 1468371 (VCV001468371.7), dbSNP rs921392815, ClinGen allele CA74781044.

ClinVar aggregate classification (germline): Uncertain significance. Review status: criteria provided, multiple submitters, no conflicts (2 of 4 stars). 2 submissions from 2 submitters: Uncertain significance (2). Last evaluated 2024-08-26.

Conditions:
Spermatogenic failure 18. Identifiers: MedGen C4539783, MONDO:0054615, OMIM 617576.
Ciliary dyskinesia, primary, 37 (CILD37). Also called: CILIARY DYSKINESIA, PRIMARY, 37, WITH OR WITHOUT SITUS INVERSUS. Identifiers: MedGen C4539798, MONDO:0033204, OMIM 617577.

Allele frequency attached by ClinVar (database versions not stated): gnomAD exomes below 0.00001 and 0.00001; gnomAD 0.00003 and 0.00004; TOPMed 0.00004.
gnomAD v4.1: 9 of 1,613,544 alleles (0.00056%); highest among the groups gnomAD compares: African/African-American, 0.011%; no homozygotes.

Submissions (2):

Ambry Genetics
Classification: Uncertain significance. Last evaluated: 2024-08-26. Review status: criteria provided, single submitter. Criteria: Ambry Variant Classification Scheme 2023. Collection method: clinical testing. Allele origin: germline.

Labcorp Genetics (formerly Invitae), Labcorp
Classification: Uncertain significance for Ciliary dyskinesia, primary, 37; Spermatogenic failure 18. Last evaluated: 2024-07-15. Review status: criteria provided, single submitter. Criteria: Invitae Variant Classification Sherloc (09022015). Collection method: clinical testing. Allele origin: germline.
Comment: This sequence change replaces glutamic acid, which is acidic and polar, with lysine, which is basic and polar, at codon 3318 of the DNAH1 protein (p.Glu3318Lys). This variant is present in population databases (no rsID available, gnomAD 0.007%). This variant has not been reported in the literature in individuals affected with DNAH1-related conditions. ClinVar contains an entry for this variant (Variation ID: 1468371). Advanced modeling of protein sequence and biophysical properties (such as structural, functional, and spatial information, amino acid conservation, physicochemical variation, residue mobility, and thermodynamic stability) performed at Invitae indicates that this missense variant is not expected to disrupt DNAH1 protein function with a negative predictive value of 80%. In summary, the available evidence is currently insufficient to determine the role of this variant in disease. Therefore, it has been classified as a Variant of Uncertain Significance.